The following is an entry in ClinVar:

NM_000393.5(COL5A2):c.3883A>G (p.Thr1295Ala)

Gene: COL5A2 (collagen type V alpha 2 chain; minus strand). Cytogenetic location: 2q32.2.
Variant type: single nucleotide variant.
Coding change: c.3883A>G on transcript NM_000393.5 (MANE Select); coding-DNA position 3883, A replaced by G.
Protein change: p.Thr1295Ala; replaces threonine 1295 with alanine.
Molecular consequence: missense variant.
Genome position (GRCh38, 1-based): chr2:189,039,314, T>C on the plus strand (A>G on the coding strand, the complement: COL5A2 is on the minus strand). VCF-style: chr2-189039314-T-C. GRCh37 (hg19) VCF-style: chr2-189904040-T-C.
Other names: short protein forms T1295A.
Identifiers: ClinVar variation 519562 (VCV000519562.5), dbSNP rs765068787, ClinGen allele CA2021901.

ClinVar aggregate classification (germline): Uncertain significance (1 of 4 stars; one submission).

Conditions:
Familial thoracic aortic aneurysm and aortic dissection (TAAD). Also called: Thoracic aortic aneurysms and dissections. Identifiers: Orphanet 91387, MedGen C4707243, MONDO:0019625.

Allele frequency attached by ClinVar (database versions not stated): gnomAD exomes below 0.00001; ExAC 0.00001; gnomAD 0.00001; TOPMed 0.00001.
gnomAD v4.1: 2 of 1,613,992 alleles (0.00012%); highest among the groups gnomAD compares: African/African-American, 0.0027%; no homozygotes.

Submission:

Ambry Genetics
Classification: Uncertain significance for Familial thoracic aortic aneurysm and aortic dissection. Last evaluated: 2015-10-04. Review status: criteria provided, single submitter. Criteria: Ambry Variant Classification Scheme 2023. Collection method: clinical testing. Allele origin: germline.
Comment: The p.T1295A variant (also known as c.3883A>G), located in coding exon 51 of the COL5A2 gene, results from an A to G substitution at nucleotide position 3883. The threonine at codon 1295 is replaced by alanine, an amino acid with a few similar properties. This variant was not reported in population based cohorts in the following databases: Database of Single Nucleotide Polymorphisms (dbSNP), NHLBI Exome Sequencing Project (ESP), and 1000 Genomes Project. In the ESP, this variant was not observed in 6503 samples (13006 alleles) with coverage at this position. This amino acid position is highly conserved in available vertebrate species. In addition, this alteration is predicted to be deleterious by in silico analysis. Since supporting evidence is limited at this time, the clinical significance of this variant remains unclear.